The following is an entry in ClinVar:

NM_001429.4(EP300):c.4578_4581del (p.Arg1527fs)

Gene: EP300 (E1A binding protein p300; plus strand). Cytogenetic location: 22q13.2.
Variant type: Microsatellite.
Coding change: c.4578_4581del on transcript NM_001429.4 (MANE Select); coding-DNA positions 4578 to 4581, 4 bases deleted (GAGA; older notation c.4578_4581delGAGA).
Protein change: p.Arg1527fs; shifts the reading frame from arginine 1527.
Molecular consequence: frameshift variant.
Genome position (GRCh38, 1-based): chr22:41,172,624-41,172,627, GAGA deleted; deleting any 4 consecutive bases within chr22:41,172,621-41,172,627 gives the same sequence; the c. name uses the placement nearest the transcript's 3' end. VCF-style (leftmost placement, unchanged base first): chr22-41172620-AAGAG-A. GRCh37 (hg19) VCF-style: chr22-41568624-AAGAG-A.
Other names: c.4500_4503del, p.Arg1501fs (NM_001362843.2); short protein forms R1501fs, R1527fs.
Identifiers: ClinVar variation 3032738 (VCV003032738.2), dbSNP rs2517826886, ClinGen allele CA2740091983.

ClinVar aggregate classification (germline): Likely pathogenic (0 of 4 stars; one submission).

Conditions:
EP300-related disorder. Also called: EP300-related disorders; EP300-related condition.

Submission:

PreventionGenetics, part of Exact Sciences
Classification: Likely pathogenic for EP300-related condition. Last evaluated: 2023-12-21. Review status: no assertion criteria provided. Collection method: clinical testing. Allele origin: germline.
Comment: The EP300 c.4578_4581delGAGA variant is predicted to result in a frameshift and premature protein termination (p.Arg1527Asnfs*13). To our knowledge, this variant has not been reported in the literature or in a large population database, indicating this variant is rare. Frameshift variants in EP300 are expected to be pathogenic. This variant is interpreted as likely pathogenic.